The following is an entry in ClinVar:

NM_152296.5(ATP1A3):c.1323G>A (p.Ala441=)

Gene: ATP1A3 (ATPase Na+/K+ transporting subunit alpha 3; minus strand). Cytogenetic location: 19q13.2.
Variant type: single nucleotide variant.
Coding change: c.1323G>A on transcript NM_152296.5 (MANE Select); coding-DNA position 1323, G replaced by A.
Protein change: p.Ala441=; no amino-acid change (alanine 441 retained).
Molecular consequence: synonymous variant.
Genome position (GRCh38, 1-based): chr19:41,981,616, C>T on the plus strand (G>A on the coding strand, the complement: ATP1A3 is on the minus strand). VCF-style: chr19-41981616-C-T. GRCh37 (hg19) VCF-style: chr19-42485768-C-T.
Other names: p.Ala441=; c.1356G>A, p.Ala452= (NM_001256213.2); c.1362G>A, p.Ala454= (NM_001256214.2).
Identifiers: ClinVar variation 157924 (VCV000157924.69), dbSNP rs34578730, ClinGen allele CA171283.
Genomic context (GRCh38, chr19:41,981,616, plus strand): 5'-ACGCATCAGCTTCACGGAGCCAGAGGACAGCTCGATGCACTTGAGCAGGGCAGACTCAGA[C>T]GCATCCCCAGCCACATCCCTCTGCAAGGAGAAAGGGTTGTCAGAACAGGGACAGCTGAGG-3'
Protein context (NP_689509.1, residues 431-451): PVLKRDVAGD[Ala441=]SESALLKCIE

ClinVar aggregate classification (germline): Conflicting classifications of pathogenicity. Review status: criteria provided, conflicting classifications (1 of 4 stars). 14 submissions from 13 submitters: Uncertain significance (1); Benign (7); Likely benign (1). 5 of the submissions do not count toward it. Last evaluated 2026-09-01.

Conditions:
Alternating hemiplegia of childhood 2 (AHC2). Also called: Alternating Hemiplegia of Childhood (AHC). Identifiers: Orphanet 2131, MedGen C3553788, MONDO:0013900, OMIM 614820.
Dystonia 12 (DYT12). Also called: DYT-ATP1A3; Rapid-Onset Dystonia-Parkinsonism (RDP). Identifiers: Orphanet 71517, MedGen C1868681, MONDO:0007496, OMIM 128235.

Allele frequency attached by ClinVar (database versions not stated): 1000 Genomes Project 30x 0.00219; 1000 Genomes Project 0.00240; TOPMed 0.00625; ESP Exome Variant Server 0.00661.
gnomAD v4.1: 15,742 of 1,614,192 alleles (0.98%); highest among the groups gnomAD compares: Non-Finnish European, 1.2%; 102 homozygotes.

Submissions (14):

CeGaT Center for Human Genetics Tuebingen
Classification: Benign. Last evaluated: 2026-09-01. Review status: criteria provided, single submitter. Criteria: CeGaT Center For Human Genetics Tuebingen Variant Classification Criteria Version 2. Collection method: clinical testing. Allele origin: germline. Affected: yes. Observed: 114 variant alleles.
Comment: ATP1A3: BP4, BP7, BS1, BS2

Labcorp Genetics (formerly Invitae), Labcorp
Classification: Benign for Dystonia 12. Last evaluated: 2026-02-04. Review status: criteria provided, single submitter. Criteria: Invitae Variant Classification Sherloc (09022015). Collection method: clinical testing. Allele origin: germline.

Athena Diagnostics
Classification: Benign. Last evaluated: 2024-12-06. Review status: criteria provided, single submitter. Criteria: Athena Diagnostics Criteria. Collection method: clinical testing. Allele origin: unknown.
Comment: The frequency of this variant in the general population is higher than would generally be expected for pathogenic variants in this gene.

Mayo Clinic Laboratories, Mayo Clinic
Classification: Benign. Last evaluated: 2023-07-17. Review status: criteria provided, single submitter. Criteria: ACMG Guidelines, 2015. Collection method: clinical testing. Allele origin: germline. Observed: 24 variant alleles.
Comment: BS1, BS2, BP4, BP7

GeneDx
Classification: Likely benign. Last evaluated: 2021-09-24. Review status: criteria provided, single submitter. Criteria: GeneDx Variant Classification Process June 2021. Collection method: clinical testing. Allele origin: germline. Affected: yes.

Illumina Laboratory Services, Illumina
Classification: Benign for Dystonia 12. Last evaluated: 2018-01-12. Review status: criteria provided, single submitter. Criteria: ICSL Variant Classification Criteria 13 December 2019. Collection method: clinical testing. Allele origin: germline.
Comment: This variant was observed in the ICSL laboratory as part of a predisposition screen in an ostensibly healthy population. It had not been previously curated by ICSL or reported in the Human Gene Mutation Database (HGMD: prior to June 1st, 2018), and was therefore a candidate for classification through an automated scoring system. Utilizing variant allele frequency, disease prevalence and penetrance estimates, and inheritance mode, an automated score was calculated to assess if this variant is too frequent to cause the disease. Based on the score and internal cut-off values, a variant classified as benign is not then subjected to further curation. The score for this variant resulted in a classification of benign for this disease.

Illumina Laboratory Services, Illumina
Classification: Benign for Alternating hemiplegia of childhood 2. Last evaluated: 2018-01-12. Review status: criteria provided, single submitter. Criteria: ICSL Variant Classification Criteria 13 December 2019. Collection method: clinical testing. Allele origin: germline.
Comment: the same text as in the submission from Illumina Laboratory Services, Illumina above.

Eurofins Ntd Llc (ga)
Classification: Benign. Last evaluated: 2015-10-12. Review status: criteria provided, single submitter. Criteria: EGL Classification Definitions 2015. Collection method: clinical testing. Allele origin: germline. Observed: 1 variant allele, 1 heterozygote.

Genetic Services Laboratory, University of Chicago
Classification: Uncertain significance for Alternating hemiplegia of childhood 2. Last evaluated: 2014-06-27. Review status: criteria provided, single submitter. Criteria: ACMG Guidelines, 2015. Collection method: clinical testing. Allele origin: germline. Inheritance: Autosomal dominant inheritance.

Clinical Genetics DNA and cytogenetics Diagnostics Lab, Erasmus MC, Erasmus Medical Center
Classification: Likely benign. Review status: no assertion criteria provided. Collection method: clinical testing. Allele origin: germline. Affected: yes. Study: VKGL Data-share Consensus. Not counted in ClinVar's aggregate classification.

Diagnostic Laboratory, Department of Genetics, University Medical Center Groningen
Classification: Likely benign. Review status: no assertion criteria provided. Collection method: clinical testing. Allele origin: germline. Affected: yes. Study: VKGL Data-share Consensus. Not counted in ClinVar's aggregate classification.

Genome Diagnostics Laboratory, Amsterdam University Medical Center
Classification: Likely benign. Review status: no assertion criteria provided. Collection method: clinical testing. Allele origin: germline. Affected: yes. Study: VKGL Data-share Consensus. Not counted in ClinVar's aggregate classification.

Joint Genome Diagnostic Labs from Nijmegen and Maastricht, Radboudumc and MUMC+
Classification: Benign. Review status: no assertion criteria provided. Collection method: clinical testing. Allele origin: germline. Affected: yes. Study: VKGL Data-share Consensus. Not counted in ClinVar's aggregate classification.

Laboratory of Diagnostic Genome Analysis, Leiden University Medical Center (LUMC)
Classification: Likely benign. Review status: no assertion criteria provided. Collection method: clinical testing. Allele origin: germline. Affected: yes. Study: VKGL Data-share Consensus. Not counted in ClinVar's aggregate classification.